The following is an entry in ClinVar:

NM_018191.4(RCBTB1):c.1262A>T (p.Tyr421Phe)

Gene: RCBTB1 (RCC1 and BTB domain containing protein 1; minus strand). Cytogenetic location: 13q14.2.
Variant type: single nucleotide variant.
Coding change: c.1262A>T on transcript NM_018191.4 (MANE Select); coding-DNA position 1262, A replaced by T.
Protein change: p.Tyr421Phe; replaces tyrosine 421 with phenylalanine.
Molecular consequence: missense variant. On other transcripts: non-coding transcript variant (2).
Genome position (GRCh38, 1-based): chr13:49,541,738, T>A on the plus strand (A>T on the coding strand, the complement: RCBTB1 is on the minus strand). VCF-style: chr13-49541738-T-A. GRCh37 (hg19) VCF-style: chr13-50115874-T-A.
Other names: c.1262A>T, p.Tyr421Phe (NM_001352500.2, NM_001352501.2, NM_001352502.2 and 2 more transcripts); c.683A>T, p.Tyr228Phe (NM_001352506.2); short protein forms Y228F, Y421F.
Identifiers: ClinVar variation 1501085 (VCV001501085.6), dbSNP rs146955596, ClinGen allele CA6982626.

ClinVar aggregate classification (germline): Conflicting classifications of pathogenicity. Review status: criteria provided, conflicting classifications (1 of 4 stars). 2 submissions from 2 submitters: Uncertain significance (1); Likely benign (1). Last evaluated 2024-05-31.

Allele frequency attached by ClinVar (database versions not stated): ExAC 0.00007; ESP Exome Variant Server 0.00008; gnomAD 0.00009; gnomAD exomes 0.00010; TOPMed 0.00020; 1000 Genomes Project 30x 0.00031; 1000 Genomes Project 0.00040.
gnomAD v4.1: 143 of 1,614,138 alleles (0.0089%); highest among the groups gnomAD compares: Admixed American, 0.057%; no homozygotes.

Submissions (2):

Blueprint Genetics
Classification: Likely benign. Last evaluated: 2024-05-31. Review status: criteria provided, single submitter. Criteria: ACMG Guidelines, 2015. Collection method: clinical testing. Allele origin: germline.

Labcorp Genetics (formerly Invitae), Labcorp
Classification: Uncertain significance. Last evaluated: 2022-08-13. Review status: criteria provided, single submitter. Criteria: Invitae Variant Classification Sherloc (09022015). Collection method: clinical testing. Allele origin: germline.
Comment: This sequence change replaces tyrosine, which is neutral and polar, with phenylalanine, which is neutral and non-polar, at codon 421 of the RCBTB1 protein (p.Tyr421Phe). This variant is present in population databases (rs146955596, gnomAD 0.03%). This variant has not been reported in the literature in individuals affected with RCBTB1-related conditions. ClinVar contains an entry for this variant (Variation ID: 1501085). Algorithms developed to predict the effect of missense changes on protein structure and function are either unavailable or do not agree on the potential impact of this missense change (SIFT: "Deleterious"; PolyPhen-2: "Possibly Damaging"; Align-GVGD: "Class C0"). In summary, the available evidence is currently insufficient to determine the role of this variant in disease. Therefore, it has been classified as a Variant of Uncertain Significance.